The following is an entry in ClinVar:

NM_018010.4(IFT57):c.682G>C (p.Asp228His)

Gene: IFT57 (intraflagellar transport 57; minus strand). Cytogenetic location: 3q13.12.
Variant type: single nucleotide variant.
Coding change: c.682G>C on transcript NM_018010.4 (MANE Select); coding-DNA position 682, G replaced by C.
Protein change: p.Asp228His; replaces aspartic acid 228 with histidine.
Molecular consequence: missense variant.
Genome position (GRCh38, 1-based): chr3:108,191,616, C>G on the plus strand (G>C on the coding strand, the complement: IFT57 is on the minus strand). VCF-style: chr3-108191616-C-G. GRCh37 (hg19) VCF-style: chr3-107910463-C-G.
Other names: c.682G>C (NM_018010.3); short protein forms D228H.
Identifiers: ClinVar variation 2064250 (VCV002064250.5), dbSNP rs375684447, ClinGen allele CA2526619.

ClinVar aggregate classification (germline): Uncertain significance. Review status: criteria provided, multiple submitters, no conflicts (2 of 4 stars). 2 submissions from 2 submitters: Uncertain significance (2). Last evaluated 2025-04-14.

Allele frequency attached by ClinVar (database versions not stated): ExAC 0.00002; gnomAD 0.00010; TOPMed 0.00011; ESP Exome Variant Server 0.00031.
gnomAD v4.1: 30 of 1,608,504 alleles (0.0019%); highest among the groups gnomAD compares: African/African-American, 0.032%; no homozygotes.

Submissions (2):

Labcorp Genetics (formerly Invitae), Labcorp
Classification: Uncertain significance. Last evaluated: 2025-04-14. Review status: criteria provided, single submitter. Criteria: Invitae Variant Classification Sherloc (09022015). Collection method: clinical testing. Allele origin: germline.
Comment: This sequence change replaces aspartic acid, which is acidic and polar, with histidine, which is basic and polar, at codon 228 of the IFT57 protein (p.Asp228His). This variant is present in population databases (rs375684447, gnomAD 0.03%). This variant has not been reported in the literature in individuals affected with IFT57-related conditions. ClinVar contains an entry for this variant (Variation ID: 2064250). An algorithm developed to predict the effect of missense changes on protein structure and function (PolyPhen-2) suggests that this variant is likely to be disruptive. In summary, the available evidence is currently insufficient to determine the role of this variant in disease. Therefore, it has been classified as a Variant of Uncertain Significance.

Ambry Genetics
Classification: Uncertain significance. Last evaluated: 2025-04-10. Review status: criteria provided, single submitter. Criteria: Ambry Variant Classification Scheme 2023. Collection method: clinical testing. Allele origin: germline.